The following is an entry in ClinVar:

ClinVar aggregate classification (germline): Uncertain significance (1 of 4 stars; one submission).

gnomAD v4.1: 16 of 1,613,260 alleles (0.00099%); highest among the groups gnomAD compares: Admixed American, 0.0017%; no homozygotes.

Submission:

Athena Diagnostics
Classification: Uncertain significance. Last evaluated: 2024-02-02. Review status: criteria provided, single submitter. Criteria: Athena Diagnostics Criteria. Collection method: clinical testing. Allele origin: unknown.
Comment: Available data are insufficient to determine the clinical significance of the variant at this time. The frequency of this variant in the general population is uninformative in assessment of its pathogenicity. This variant has been identified in at least one individual with clinical features associated with episodic ataxia. Computational tools disagree on the variant's effect on normal protein function.

Literature cited by the submitters: PubMed 27965395.

NM_000726.5(CACNB4):c.367A>G (p.Lys123Glu)

Gene: CACNB4 (calcium voltage-gated channel auxiliary subunit beta 4; minus strand). Cytogenetic location: 2q23.3.
Variant type: single nucleotide variant.
Coding change: c.367A>G on transcript NM_000726.5 (MANE Select); coding-DNA position 367, A replaced by G.
Protein change: p.Lys123Glu; replaces lysine 123 with glutamic acid.
Molecular consequence: missense variant. On other transcripts: 5 prime UTR variant (2).
Genome position (GRCh38, 1-based): chr2:151,880,823, T>C on the plus strand (A>G on the coding strand, the complement: CACNB4 is on the minus strand). VCF-style: chr2-151880823-T-C. GRCh37 (hg19) VCF-style: chr2-152737337-T-C.
Other names: c.313A>G, p.Lys105Glu (NM_001005746.4, NM_001330113.2); c.265A>G, p.Lys89Glu (NM_001005747.4, NM_001330115.2); c.367A>G, p.Lys123Glu (NM_001145798.3); c.226A>G, p.Lys76Glu (NM_001320722.3, NM_001330116.2, NM_001330118.2); c.-268A>G (NM_001330114.2); c.-192A>G (NM_001330117.2); short protein forms K123E, K105E, K89E, K76E.
Identifiers: ClinVar variation 3571814 (VCV003571814.1).